The following is an entry in ClinVar:

NM_000053.4(ATP7B):c.2858dup (p.Tyr953Ter)

Gene: ATP7B (ATPase copper transporting beta; minus strand). Cytogenetic location: 13q14.3.
Variant type: Duplication.
Coding change: c.2858dup on transcript NM_000053.4 (MANE Select); coding-DNA position 2858, one base duplicated (A; older notation c.2858dupA).
Protein change: p.Tyr953Ter; replaces tyrosine 953 with a stop codon.
Molecular consequence: nonsense. On other transcripts: intron variant (6).
Genome position (GRCh38, 1-based): chr13:51,949,669, T duplicated on the plus strand (A on the coding strand, the reverse complement: ATP7B is on the minus strand). VCF-style (leftmost placement, unchanged base first): chr13-51949668-G-GT. GRCh37 (hg19) VCF-style: chr13-52523804-G-GT.
Other names: c.2525dup, p.Tyr842Ter (NM_001243182.2); c.2624dup, p.Tyr875Ter (NM_001330578.2, NM_001406527.1, NM_001406528.1 and 1 more transcripts); c.2606dup, p.Tyr869Ter (NM_001330579.2, NM_001406531.1, NM_001406532.1 and 1 more transcripts); c.2858dup, p.Tyr953Ter (NM_001406511.1, NM_001406512.1, NM_001406513.1 and 3 more transcripts); c.2825dup, p.Tyr942Ter (NM_001406514.1); c.2762dup, p.Tyr921Ter (NM_001406517.1, NM_001406518.1); c.2714dup, p.Tyr905Ter (NM_001406520.1, NM_001406521.1, NM_001406522.1 and 1 more transcripts); c.2681dup, p.Tyr894Ter (NM_001406524.1); and 12 more; short protein forms Y523*, Y737*, Y759*, Y791*, Y810*, Y837*, Y842*, Y843*.
Identifiers: ClinVar variation 3346170 (VCV003346170.1).

ClinVar aggregate classification (germline): Likely pathogenic (0 of 4 stars; one submission).

Conditions:
ATP7B-related disorder. Also called: ATP7B-related condition.

Submission:

PreventionGenetics, part of Exact Sciences
Classification: Likely pathogenic for ATP7B-related condition. Last evaluated: 2024-05-17. Review status: no assertion criteria provided. Collection method: clinical testing. Allele origin: germline.
Comment: The ATP7B c.2858dupA variant is predicted to result in premature protein termination (p.Tyr953*). To our knowledge, this variant has not been reported in the literature or in a large population database, indicating this variant is rare. Nonsense variants in ATP7B are expected to be pathogenic. This variant is interpreted as likely pathogenic.